The following is an entry in ClinVar:

NM_000173.7(GP1BA):c.1406C>T (p.Thr469Ile)

Gene: GP1BA (glycoprotein Ib platelet subunit alpha; plus strand). Cytogenetic location: 17p13.2.
Variant type: single nucleotide variant.
Coding change: c.1406C>T on transcript NM_000173.7 (MANE Select); coding-DNA position 1406, C replaced by T.
Protein change: p.Thr469Ile; replaces threonine 469 with isoleucine.
Molecular consequence: missense variant.
Genome position (GRCh38, 1-based): chr17:4,934,010, C>T. VCF-style: chr17-4934010-C-T. GRCh37 (hg19) VCF-style: chr17-4837305-C-T.
Other names: short protein forms T469I.
Identifiers: ClinVar variation 2682338 (VCV002682338.1), dbSNP rs2507594242, ClinGen allele CA397321791.

ClinVar aggregate classification (germline): Uncertain significance (1 of 4 stars; one submission).

Allele frequency attached by ClinVar (database versions not stated): gnomAD exomes below 0.00001.
gnomAD v4.1: 1 of 1,612,740 alleles (0.000062%); highest among the groups gnomAD compares: Admixed American, 0.0017%; no homozygotes.

Submission:

Women's Health and Genetics/Laboratory Corporation of America, LabCorp
Classification: Uncertain significance. Last evaluated: 2023-11-06. Review status: criteria provided, single submitter. Criteria: LabCorp Variant Classification Summary - May 2015. Collection method: clinical testing. Allele origin: germline.
Comment: Variant summary: GP1BA c.1406C>T (p.Thr469Ile) results in a non-conservative amino acid change in the encoded protein sequence. Three of four in-silico tools predict a benign effect of the variant on protein function. The variant was absent in 245474 control chromosomes. The available data on variant occurrences in the general population are insufficient to allow any conclusion about variant significance. To our knowledge, no occurrence of c.1406C>T in individuals affected with Bernard-Soulier Syndrome, Type A2, Autosomal Dominant and no experimental evidence demonstrating its impact on protein function have been reported. No submitters have cited clinical-significance assessments for this variant to ClinVar after 2014. Based on the evidence outlined above, the variant was classified as uncertain significance.